The following is an entry in ClinVar:

NM_015896.4(ZMYND10):c.383_384del (p.Glu128fs)

Gene: ZMYND10 (zinc finger MYND-type containing 10; minus strand). Cytogenetic location: 3p21.31.
Variant type: Deletion.
Coding change: c.383_384del on transcript NM_015896.4 (MANE Select); coding-DNA positions 383 to 384, 2 bases deleted (AG; older notation c.383_384delAG).
Protein change: p.Glu128fs; shifts the reading frame from glutamic acid 128.
Molecular consequence: frameshift variant.
Genome position (GRCh38, 1-based): chr3:50,343,433-50,343,434, CT deleted on the plus strand (AG on the coding strand, the reverse complement: ZMYND10 is on the minus strand); deleting any 2 consecutive bases within chr3:50,343,433-50,343,435 gives the same sequence; the c. name uses the placement nearest the transcript's 3' end. VCF-style (leftmost placement, unchanged base first): chr3-50343432-ACT-A. GRCh37 (hg19) VCF-style: chr3-50380863-ACT-A.
Other names: c.383_384del, p.Glu128fs (NM_001308379.2); short protein forms E128fs.
Identifiers: ClinVar variation 3722463 (VCV003722463.2).
Genomic context (GRCh38, chr3:50,343,432, plus strand): 5'-CCAGCAGGGTCAGTTTGCGGTGGCAATAGTCTACCAAGTCCAAGACAGTGTCTTCTGCTG[ACT>A]CACACACCTCCTGGGAAAAGGAGGAGGGAAACTTTCTGTGTCTGATGCCTTCCCCACACA-3'

ClinVar aggregate classification (germline): Pathogenic (1 of 4 stars; one submission).

Conditions:
Primary ciliary dyskinesia. Also called: Ciliary dyskinesia. Identifiers: Orphanet 244, MedGen C0008780, MONDO:0016575, HP:0012265.

Submission:

Labcorp Genetics (formerly Invitae), Labcorp
Classification: Pathogenic for Primary ciliary dyskinesia. Last evaluated: 2025-01-29. Review status: criteria provided, single submitter. Criteria: Invitae Variant Classification Sherloc (09022015). Collection method: clinical testing. Allele origin: germline.
Comment: This sequence change creates a premature translational stop signal (p.Glu128Valfs*31) in the ZMYND10 gene. It is expected to result in an absent or disrupted protein product. Loss-of-function variants in ZMYND10 are known to be pathogenic (PMID: 23891469, 23891471). This variant is not present in population databases (gnomAD no frequency). This variant has not been reported in the literature in individuals affected with ZMYND10-related conditions. For these reasons, this variant has been classified as Pathogenic.

Literature cited by the submitters: PubMed 23891469; PubMed 23891471.